The following is an entry in ClinVar:

NC_000006.11:g.(?_64940485)_(65336138_?)del

Gene: EYS (eyes shut homolog; minus strand). Cytogenetic location: 6q12.
Variant type: Deletion.
Identifiers: ClinVar variation 1070728 (VCV001070728.1).

ClinVar aggregate classification (germline): Pathogenic (1 of 4 stars; one submission).

Submission:

Labcorp Genetics (formerly Invitae), Labcorp
Classification: Pathogenic. Last evaluated: 2020-06-11. Review status: criteria provided, single submitter. Criteria: Invitae Variant Classification Sherloc (09022015). Collection method: clinical testing. Allele origin: germline.
Comment: This variant is an out-of-frame deletion of the genomic region encompassing exon(s) 23-31 of the EYS gene. This is expected to create a premature translational stop signal and result in an absent or disrupted protein product. This variant has not been reported in the literature in individuals with EYS-related conditions. Loss-of-function variants in EYS are known to be pathogenic (PMID: 18836446, 20333770). For these reasons, this variant has been classified as Pathogenic.

Literature cited by the submitters: PubMed 18836446; PubMed 20333770.